The following is an entry in ClinVar:

NM_001287.6(CLCN7):c.2113C>T (p.Arg705Cys)

Gene: CLCN7 (Cl-/H+ antiporter 7; minus strand). Cytogenetic location: 16p13.3.
Variant type: single nucleotide variant.
Coding change: c.2113C>T on transcript NM_001287.6 (MANE Select); coding-DNA position 2113, C replaced by T.
Protein change: p.Arg705Cys; replaces arginine 705 with cysteine.
Molecular consequence: missense variant.
Genome position (GRCh38, 1-based): chr16:1,447,529, G>A on the plus strand (C>T on the coding strand, the complement: CLCN7 is on the minus strand). VCF-style: chr16-1447529-G-A. GRCh37 (hg19) VCF-style: chr16-1497530-G-A.
Other names: c.2041C>T, p.Arg681Cys (NM_001114331.3); c.2113C>T (NM_001287.4); short protein forms R681C, R705C.
Identifiers: ClinVar variation 2087332 (VCV002087332.6), dbSNP rs763267020, ClinGen allele CA7809911.

ClinVar aggregate classification (germline): Uncertain significance. Review status: criteria provided, multiple submitters, no conflicts (2 of 4 stars). 3 submissions from 3 submitters: Uncertain significance (3). Last evaluated 2025-10-21.

Conditions:
Inborn genetic diseases. Identifiers: MedGen C0950123, MeSH D030342.

Allele frequency attached by ClinVar (database versions not stated): TOPMed below 0.00001; gnomAD 0.00001; ExAC 0.00005.
gnomAD v4.1: 19 of 1,555,652 alleles (0.0012%); highest among the groups gnomAD compares: East Asian, 0.0048%; no homozygotes.

Submissions (3):

Labcorp Genetics (formerly Invitae), Labcorp
Classification: Uncertain significance. Last evaluated: 2025-10-21. Review status: criteria provided, single submitter. Criteria: Invitae Variant Classification Sherloc (09022015). Collection method: clinical testing. Allele origin: germline.
Comment: This sequence change replaces arginine, which is basic and polar, with cysteine, which is neutral and slightly polar, at codon 705 of the CLCN7 protein (p.Arg705Cys). The frequency data for this variant in the population databases is considered unreliable, as metrics indicate poor data quality at this position in the gnomAD database. This variant has not been reported in the literature in individuals affected with CLCN7-related conditions. ClinVar contains an entry for this variant (Variation ID: 2087332). An algorithm developed to predict the effect of missense changes on protein structure and function (PolyPhen-2) suggests that this variant is likely to be tolerated. In summary, the available evidence is currently insufficient to determine the role of this variant in disease. Therefore, it has been classified as a Variant of Uncertain Significance.

Ambry Genetics
Classification: Uncertain significance for Inborn genetic diseases. Last evaluated: 2025-04-02. Review status: criteria provided, single submitter. Criteria: Ambry Variant Classification Scheme 2023. Collection method: clinical testing. Allele origin: germline.

Blueprint Genetics
Classification: Uncertain significance. Last evaluated: 2020-10-30. Review status: criteria provided, single submitter. Criteria: ACMG Guidelines, 2015. Collection method: clinical testing. Allele origin: germline.